The following is an entry in ClinVar:

ClinVar aggregate classification (germline): Benign/Likely benign. Review status: criteria provided, multiple submitters, no conflicts (2 of 4 stars). 6 submissions from 6 submitters: Benign (2); Likely benign (3). 1 of the submissions does not count toward it. Last evaluated 2026-02-01.

Conditions:
Acyl-CoA oxidase deficiency. Also called: Peroxisomal acyl-CoA oxidase deficiency; STRAIGHT-CHAIN ACYL-CoA OXIDASE DEFICIENCY; Pseudoneonatal adrenoleukodystrophy. Identifiers: Orphanet 2971, MedGen C1849678, MONDO:0009919, OMIM 264470. Disease mechanism: loss of function.

Allele frequency attached by ClinVar (database versions not stated): gnomAD exomes 0.00041 and 0.00087; ExAC 0.00102; gnomAD 0.00373 and 0.00404; ESP Exome Variant Server 0.00384; 1000 Genomes Project 30x 0.00406; TOPMed 0.00433; 1000 Genomes Project 0.00439.
gnomAD v4.1: 1,179 of 1,614,086 alleles (0.073%); highest among the groups gnomAD compares: African/African-American, 1.4%; 6 homozygotes.

Submissions (6):

Labcorp Genetics (formerly Invitae), Labcorp
Classification: Benign for Acyl-CoA oxidase deficiency. Last evaluated: 2026-02-01. Review status: criteria provided, single submitter. Criteria: Invitae Variant Classification Sherloc (09022015). Collection method: clinical testing. Allele origin: germline.

Mayo Clinic Laboratories, Mayo Clinic
Classification: Benign. Last evaluated: 2025-08-13. Review status: criteria provided, single submitter. Criteria: ACMG Guidelines, 2015. Collection method: clinical testing. Allele origin: germline. Observed: 6 variant alleles.
Comment: BA1, BP4, BP7

CeGaT Center for Human Genetics Tuebingen
Classification: Likely benign. Last evaluated: 2025-07-01. Review status: criteria provided, single submitter. Criteria: CeGaT Center For Human Genetics Tuebingen Variant Classification Criteria Version 2. Collection method: clinical testing. Allele origin: germline. Affected: yes. Observed: 2 variant alleles.
Comment: ACOX1: BP4, BP7, BS1

Illumina Laboratory Services, Illumina
Classification: Likely benign for Acyl-CoA oxidase deficiency. Last evaluated: 2018-01-13. Review status: criteria provided, single submitter. Criteria: ICSL Variant Classification Criteria 13 December 2019. Collection method: clinical testing. Allele origin: germline.
Comment: This variant was observed in the ICSL laboratory as part of a predisposition screen in an ostensibly healthy population. It had not been previously curated by ICSL or reported in the Human Gene Mutation Database (HGMD: prior to June 1st, 2018), and was therefore a candidate for classification through an automated scoring system. Utilizing variant allele frequency, disease prevalence and penetrance estimates, and inheritance mode, an automated score was calculated to assess if this variant is too frequent to cause the disease. Based on the score and internal cut-off values, a variant classified as likely benign is not then subjected to further curation. The score for this variant resulted in a classification of likely benign for this disease.

Breakthrough Genomics
Classification: Likely benign. Review status: criteria provided, single submitter. Criteria: ACMG Guidelines, 2015. Collection method: not provided. Allele origin: germline. Inheritance: Autosomal recessive inheritance. Affected: yes.

Natera, Inc.
Classification: Benign for Peroxisomal acyl-CoA oxidase deficiency. Last evaluated: 2019-10-28. Review status: no assertion criteria provided. Collection method: clinical testing. Allele origin: germline. Not counted in ClinVar's aggregate classification.

NM_004035.7(ACOX1):c.954A>G (p.Glu318=)

Gene: ACOX1 (acyl-CoA oxidase 1; minus strand). Cytogenetic location: 17q25.1.
Variant type: single nucleotide variant.
Coding change: c.954A>G on transcript NM_004035.7 (MANE Select); coding-DNA position 954, A replaced by G.
Protein change: p.Glu318=; no amino-acid change (glutamic acid 318 retained).
Molecular consequence: synonymous variant.
Genome position (GRCh38, 1-based): chr17:75,951,568, T>C on the plus strand (A>G on the coding strand, the complement: ACOX1 is on the minus strand). VCF-style: chr17-75951568-T-C. GRCh37 (hg19) VCF-style: chr17-73947649-T-C.
Other names: p.Glu318=; c.840A>G, p.Glu280= (NM_001185039.2); c.954A>G, p.Glu318= (NM_007292.6).
Identifiers: ClinVar variation 325381 (VCV000325381.41), dbSNP rs16968343, ClinGen allele CA8776869.